The following is an entry in ClinVar:

ClinVar aggregate classification (germline): Benign. Review status: criteria provided, multiple submitters, no conflicts (2 of 4 stars). 6 submissions from 6 submitters: Benign (4). 2 of the submissions do not count toward it. Last evaluated 2026-02-04.

Conditions:
Alport syndrome. Also called: Hemorrhagic familial nephritis; Hemorrhagic hereditary nephritis; Congenital hereditary hematuria. Identifiers: Orphanet 63, MedGen C1567741, MONDO:0018965.

Allele frequency attached by ClinVar (database versions not stated): gnomAD exomes 0.00651; ExAC 0.00774; gnomAD 0.02537 and 0.02703; 1000 Genomes Project 0.02616; TOPMed 0.02777; 1000 Genomes Project 30x 0.02858.
gnomAD v4.1: 7,789 of 1,606,072 alleles (0.48%); highest among the groups gnomAD compares: African/African-American, 8.9%; 322 homozygotes.

Submissions (8):

Labcorp Genetics (formerly Invitae), Labcorp
Classification: Benign. Last evaluated: 2026-02-04. Review status: criteria provided, single submitter. Criteria: Invitae Variant Classification Sherloc (09022015). Collection method: clinical testing. Allele origin: germline.

GeneDx
Classification: Benign. Last evaluated: 2018-07-31. Review status: criteria provided, single submitter. Criteria: GeneDx Variant Classification Process June 2021. Collection method: clinical testing. Allele origin: germline. Affected: yes.

Illumina Laboratory Services, Illumina
Classification: Benign for Alport syndrome. Last evaluated: 2018-01-13. Review status: criteria provided, single submitter. Criteria: ICSL Variant Classification Criteria 13 December 2019. Collection method: clinical testing. Allele origin: germline.
Comment: This variant was observed in the ICSL laboratory as part of a predisposition screen in an ostensibly healthy population. It had not been previously curated by ICSL or reported in the Human Gene Mutation Database (HGMD: prior to June 1st, 2018), and was therefore a candidate for classification through an automated scoring system. Utilizing variant allele frequency, disease prevalence and penetrance estimates, and inheritance mode, an automated score was calculated to assess if this variant is too frequent to cause the disease. Based on the score and internal cut-off values, a variant classified as benign is not then subjected to further curation. The score for this variant resulted in a classification of benign for this disease.

Breakthrough Genomics
Classification: Benign. Review status: criteria provided, single submitter. Criteria: ACMG Guidelines, 2015. Collection method: not provided. Allele origin: germline. Inheritance: Autosomal recessive inheritance. Affected: yes.

Dr. Peter K. Rogan Lab, Western University
No classification provided (evidence only). Condition: Cervical cancer. Review status: no classification provided. Collection method: in vitro. Allele origin: not applicable. Functional consequence: retained intron. Not counted in ClinVar's aggregate classification.

Dr. Peter K. Rogan Lab, Western University
No classification provided (evidence only). Condition: Cholangiocarcinoma. Review status: no classification provided. Collection method: in vitro. Allele origin: not applicable. Functional consequence: retained intron. Not counted in ClinVar's aggregate classification.

Genome Diagnostics Laboratory, University Medical Center Utrecht
Classification: Benign. Review status: no assertion criteria provided. Collection method: clinical testing. Allele origin: germline. Affected: yes. Study: VKGL Data-share Consensus. Not counted in ClinVar's aggregate classification.

Joint Genome Diagnostic Labs from Nijmegen and Maastricht, Radboudumc and MUMC+
Classification: Likely benign. Review status: no assertion criteria provided. Collection method: clinical testing. Allele origin: germline. Affected: yes. Study: VKGL Data-share Consensus. Not counted in ClinVar's aggregate classification.

NM_000092.5(COL4A4):c.2165-15T>G

Gene: COL4A4 (collagen type IV alpha 4 chain; minus strand). Cytogenetic location: 2q36.3.
Variant type: single nucleotide variant.
Coding change: c.2165-15T>G on transcript NM_000092.5 (MANE Select); 15 bases into the intron before coding-DNA position 2165, T replaced by G.
Molecular consequence: intron variant.
Genome position (GRCh38, 1-based): chr2:227,059,638, A>C on the plus strand (T>G on the coding strand, the complement: COL4A4 is on the minus strand). VCF-style: chr2-227059638-A-C. GRCh37 (hg19) VCF-style: chr2-227924354-A-C.
Identifiers: ClinVar variation 334724 (VCV000334724.18), dbSNP rs60344965, ClinGen allele CA2144876.
Genomic context (GRCh38, chr2:227,059,638, plus strand): 5'-CCCTTTTCACCTCCAAAACCCGGATCTCCCATGTCACCACGAAAACCTATTTAACAACAA[A>C]AAAAAATTTTTAATGATAACATGTGCAAGTATAGAACCAATACATATAAGACTTACTTTG-3'